The following is an entry in ClinVar:

NM_003038.5(SLC1A4):c.1365-3C>G

Gene: SLC1A4 (solute carrier family 1 member 4; plus strand). Cytogenetic location: 2p14.
Variant type: single nucleotide variant.
Coding change: c.1365-3C>G on transcript NM_003038.5 (MANE Select); 3 bases into the intron before coding-DNA position 1365, C replaced by G.
Molecular consequence: intron variant.
Genome position (GRCh38, 1-based): chr2:65,020,909, C>G. VCF-style: chr2-65020909-C-G. GRCh37 (hg19) VCF-style: chr2-65248043-C-G.
Other names: c.705-3C>G (NM_001348406.2, NM_001348407.2); c.471-3C>G (NM_001193493.2).
Identifiers: ClinVar variation 1487287 (VCV001487287.6), dbSNP rs1449403276, ClinGen allele CA2573135212.

ClinVar aggregate classification (germline): Uncertain significance (1 of 4 stars; one submission).

Submission:

Labcorp Genetics (formerly Invitae), Labcorp
Classification: Uncertain significance. Last evaluated: 2021-07-04. Review status: criteria provided, single submitter. Criteria: Invitae Variant Classification Sherloc (09022015). Collection method: clinical testing. Allele origin: germline.
Comment: This sequence change falls in intron 7 of the SLC1A4 gene. It does not directly change the encoded amino acid sequence of the SLC1A4 protein. It affects a nucleotide within the consensus splice site of the intron. This variant is not present in population databases (ExAC no frequency). This variant has not been reported in the literature in individuals affected with SLC1A4-related conditions. Nucleotide substitutions within the consensus splice site are a relatively common cause of aberrant splicing (PMID: 17576681, 9536098). Algorithms developed to predict the effect of sequence changes on RNA splicing suggest that this variant may disrupt the consensus splice site. In summary, the available evidence is currently insufficient to determine the role of this variant in disease. Therefore, it has been classified as a Variant of Uncertain Significance.

Literature cited by the submitters: PubMed 17576681; PubMed 9536098.